The following is an entry in ClinVar:

NM_000059.4(BRCA2):c.5904_5907del (p.Val1969fs)

Gene: BRCA2 (BRCA2 DNA repair associated; plus strand). Cytogenetic location: 13q13.1.
Variant type: Microsatellite.
Coding change: c.5904_5907del on transcript NM_000059.4 (MANE Select); coding-DNA positions 5904 to 5907, 4 bases deleted (AGTC; older notation c.5904_5907delAGTC).
Protein change: p.Val1969fs; shifts the reading frame from valine 1969.
Molecular consequence: frameshift variant.
Genome position (GRCh38, 1-based): chr13:32,340,259-32,340,262, AGTC deleted; deleting any 4 consecutive bases within chr13:32,340,255-32,340,262 gives the same sequence; the c. name uses the placement nearest the transcript's 3' end. VCF-style (leftmost placement, unchanged base first): chr13-32340254-AAGTC-A. GRCh37 (hg19) VCF-style: chr13-32914391-AAGTC-A.
Other names: 6132del4; c.5904_5907delAGTC (NM_000059.3); short protein forms V1969fs.
Identifiers: ClinVar variation 51963 (VCV000051963.5), dbSNP rs80359547, ClinGen allele CA023357.
Genomic context (GRCh38, chr13:32,340,254, plus strand): 5'-CCTTGTGATGTTAGTTTGGAAACTTCAGATATATGTAAATGTAGTATAGGGAAGCTTCAT[AAGTC>A]AGTCTCATCTGCAAATACTTGTGGGATTTTTAGCACAGCAAGTGGAAAATCTGTCCAGGT-3'

ClinVar aggregate classification (germline): Pathogenic. Review status: reviewed by expert panel (3 of 4 stars). 5 submissions from 5 submitters: Pathogenic (1). 4 of the submissions do not count toward it. Last evaluated 2016-09-08.

Conditions:
Hereditary breast ovarian cancer syndrome. Also called: Hereditary breast and ovarian cancer syndrome; Hereditary breast and ovarian cancer; Hereditary breast and ovarian cancer syndrome (HBOC); Breast and ovarian cancer; Hereditary breast and/or ovarian cancer syndrome; BRCA1- and BRCA2-Associated Hereditary Breast and Ovarian Cancer. Identifiers: Orphanet 145, MedGen C0677776, MeSH D061325, MONDO:0003582. Disease mechanism: loss of function.
Breast-ovarian cancer, familial, susceptibility to, 2 (BROVCA2). Also called: BRCA2 Hereditary Breast and Ovarian Cancer. Identifiers: Orphanet 145, MedGen C2675520, MONDO:0012933, OMIM 612555. Disease mechanism: loss of function.

Submissions (5):

Evidence-based Network for the Interpretation of Germline Mutant Alleles (ENIGMA)
Classification: Pathogenic for Breast-ovarian cancer, familial, susceptibility to, 2. Last evaluated: 2016-09-08. Review status: reviewed by expert panel. Criteria: ENIGMA BRCA1/2 Classification Criteria (2015). Collection method: curation. Allele origin: germline.
Comment: Variant allele predicted to encode a truncated non-functional protein.

Mendelics
Classification: Pathogenic for Hereditary breast and ovarian cancer syndrome. Last evaluated: 2018-07-02. Review status: criteria provided, single submitter. Criteria: Mendelics Assertion Criteria 2017. Collection method: clinical testing. Allele origin: unknown. Not counted in ClinVar's aggregate classification.

Consortium of Investigators of Modifiers of BRCA1/2 (CIMBA), c/o University of Cambridge
Classification: Pathogenic for Breast-ovarian cancer, familial, susceptibility to, 2. Last evaluated: 2015-10-02. Review status: criteria provided, single submitter. Criteria: CIMBA Mutation Classification guidelines May 2016. Collection method: clinical testing. Allele origin: germline. Not counted in ClinVar's aggregate classification.

Research Molecular Genetics Laboratory, Women's College Hospital, University of Toronto
Classification: Pathogenic for Hereditary breast ovarian cancer syndrome. Last evaluated: 2014-01-31. Review status: no assertion criteria provided. Collection method: research. Allele origin: germline. Affected: yes. Study: The Canadian Open Genetics Repository (COGR). Not counted in ClinVar's aggregate classification.

Breast Cancer Information Core (BIC) (BRCA2)
Classification: Pathogenic for Breast-ovarian cancer, familial 2. Last evaluated: 2002-05-29. Review status: no assertion criteria provided. Collection method: clinical testing. Allele origin: germline. Affected: yes. Observed: 3 variant alleles. Not counted in ClinVar's aggregate classification.